The following is an entry in ClinVar:

NM_015065.3(EXPH5):c.477G>A (p.Val159=)

Gene: EXPH5 (exophilin 5; minus strand). Cytogenetic location: 11q22.3.
Variant type: single nucleotide variant.
Coding change: c.477G>A on transcript NM_015065.3 (MANE Select); coding-DNA position 477, G replaced by A.
Protein change: p.Val159=; no amino-acid change (valine 159 retained).
Molecular consequence: synonymous variant. On other transcripts: intron variant (1).
Genome position (GRCh38, 1-based): chr11:108,528,151, C>T on the plus strand (G>A on the coding strand, the complement: EXPH5 is on the minus strand). VCF-style: chr11-108528151-C-T. GRCh37 (hg19) VCF-style: chr11-108398878-C-T.
Other names: c.249G>A, p.Val83= (NM_001144763.2, NM_001441061.1, NM_001441067.1 and 8 more transcripts); c.9G>A, p.Val3= (NM_001144764.2, NM_001441076.1); c.456G>A, p.Val152= (NM_001308019.2, NM_001441060.1); c.477G>A, p.Val159= (NM_001441059.1); c.-72-9778G>A (NM_001144765.2).
Identifiers: ClinVar variation 4981696 (VCV004981696.1).

ClinVar aggregate classification (germline): Likely benign (1 of 4 stars; one submission).

Conditions:
EXPH5-related disorder. Also called: EXPH5-related condition.

gnomAD v4.1: 46 of 1,610,752 alleles (0.0029%); highest among the groups gnomAD compares: Middle Eastern, 0.033%; 1 homozygote.

Submission:

PreventionGenetics, part of Exact Sciences
Classification: Likely benign for EXPH5-related condition. Last evaluated: 2025-05-27. Review status: criteria provided, single submitter. Criteria: ACMG Guidelines, 2015. Collection method: clinical testing. Allele origin: germline.
Comment: This variant is classified as likely benign based on ACMG/AMP sequence variant interpretation guidelines (Richards et al. 2015 PMID: 25741868, with internal and published modifications).